The following is an entry in ClinVar:

ClinVar aggregate classification (germline): Uncertain significance. Review status: criteria provided, multiple submitters, no conflicts (2 of 4 stars). 2 submissions from 2 submitters: Uncertain significance (2). Last evaluated 2025-11-26.

Allele frequency attached by ClinVar (database versions not stated): gnomAD 0.00011; gnomAD exomes 0.00006; TOPMed 0.00006; 1000 Genomes Project 30x 0.00031; ESP Exome Variant Server 0.00008; ExAC 0.00004; 1000 Genomes Project 0.00020.
gnomAD v4.1: 104 of 1,614,172 alleles (0.0064%); highest among the groups gnomAD compares: East Asian, 0.016%; no homozygotes.

Submissions (2):

Ambry Genetics
Classification: Uncertain significance. Last evaluated: 2025-11-26. Review status: criteria provided, single submitter. Criteria: Ambry Variant Classification Scheme 2023. Collection method: clinical testing. Allele origin: germline.

Labcorp Genetics (formerly Invitae), Labcorp
Classification: Uncertain significance. Last evaluated: 2025-02-10. Review status: criteria provided, single submitter. Criteria: Invitae Variant Classification Sherloc (09022015). Collection method: clinical testing. Allele origin: germline.
Comment: This sequence change replaces valine, which is neutral and non-polar, with methionine, which is neutral and non-polar, at codon 541 of the MCM5 protein (p.Val541Met). This variant is present in population databases (rs138322887, gnomAD 0.03%). This variant has not been reported in the literature in individuals affected with MCM5-related conditions. ClinVar contains an entry for this variant (Variation ID: 3017821). Invitae Evidence Modeling of protein sequence and biophysical properties (such as structural, functional, and spatial information, amino acid conservation, physicochemical variation, residue mobility, and thermodynamic stability) indicates that this missense variant is not expected to disrupt MCM5 protein function with a negative predictive value of 80%. In summary, the available evidence is currently insufficient to determine the role of this variant in disease. Therefore, it has been classified as a Variant of Uncertain Significance.

NM_006739.4(MCM5):c.1621G>A (p.Val541Met)

Gene: MCM5 (minichromosome maintenance complex component 5; plus strand). Cytogenetic location: 22q12.3.
Variant type: single nucleotide variant.
Coding change: c.1621G>A on transcript NM_006739.4 (MANE Select); coding-DNA position 1621, G replaced by A.
Protein change: p.Val541Met; replaces valine 541 with methionine.
Molecular consequence: missense variant.
Genome position (GRCh38, 1-based): chr22:35,417,774, G>A. VCF-style: chr22-35417774-G-A. GRCh37 (hg19) VCF-style: chr22-35813767-G-A.
Other names: c.1621G>A (NM_006739.3); short protein forms V541M.
Identifiers: ClinVar variation 3017821 (VCV003017821.5), dbSNP rs138322887, ClinGen allele CA10205441.